The following is an entry in ClinVar:

NM_001001563.5(TIMM50):c.884G>A (p.Arg295Gln)

Gene: TIMM50 (translocase of inner mitochondrial membrane 50; plus strand). Cytogenetic location: 19q13.2.
Variant type: single nucleotide variant.
Coding change: c.884G>A on transcript NM_001001563.5 (MANE Select); coding-DNA position 884, G replaced by A.
Protein change: p.Arg295Gln; replaces arginine 295 with glutamine.
Molecular consequence: missense variant.
Genome position (GRCh38, 1-based): chr19:39,488,569, G>A. VCF-style: chr19-39488569-G-A. GRCh37 (hg19) VCF-style: chr19-39979209-G-A.
Other names: c.545G>A, p.Arg182Gln (NM_001329559.2); c.1193G>A (NM_001001563.3); short protein forms R182Q, R295Q.
Identifiers: ClinVar variation 2093436 (VCV002093436.3), dbSNP rs760304945, ClinGen allele CA9432005.

ClinVar aggregate classification (germline): Conflicting classifications of pathogenicity. Review status: criteria provided, conflicting classifications (1 of 4 stars). 2 submissions from 2 submitters: Likely pathogenic (1); Uncertain significance (1). Last evaluated 2024-04-04.

Conditions:
3-methylglutaconic aciduria type 9. Also called: 3-METHYLGLUTACONIC ACIDURIA, TYPE IX. Identifiers: Orphanet 505216, MedGen C4540171, MONDO:0044724, OMIM 617698.

Allele frequency attached by ClinVar (database versions not stated): ExAC 0.00001; TOPMed 0.00001; gnomAD 0.00003.

Submissions (2):

Genomic Medicine Center of Excellence, King Faisal Specialist Hospital and Research Centre
Classification: Likely pathogenic for 3-methylglutaconic aciduria type 9. Last evaluated: 2024-04-04. Review status: criteria provided, single submitter. Criteria: ACMG Guidelines, 2015. Collection method: clinical testing. Allele origin: germline.

Labcorp Genetics (formerly Invitae), Labcorp
Classification: Uncertain significance. Last evaluated: 2022-03-20. Review status: criteria provided, single submitter. Criteria: Invitae Variant Classification Sherloc (09022015). Collection method: clinical testing. Allele origin: germline.
Comment: In summary, the available evidence is currently insufficient to determine the role of this variant in disease. Therefore, it has been classified as a Variant of Uncertain Significance. Algorithms developed to predict the effect of missense changes on protein structure and function are either unavailable or do not agree on the potential impact of this missense change (SIFT: "Not Available"; PolyPhen-2: "Probably Damaging"; Align-GVGD: "Not Available"). This variant has not been reported in the literature in individuals affected with TIMM50-related conditions. This variant is present in population databases (rs760304945, gnomAD 0.002%). This sequence change replaces arginine, which is basic and polar, with glutamine, which is neutral and polar, at codon 398 of the TIMM50 protein (p.Arg398Gln).